The following is an entry in ClinVar:

NM_006648.4(WNK2):c.1867A>T (p.Thr623Ser)

Gene: WNK2 (WNK lysine deficient protein kinase 2; plus strand). Cytogenetic location: 9q22.31.
Variant type: single nucleotide variant.
Coding change: c.1867A>T on transcript NM_006648.4 (MANE Select); coding-DNA position 1867, A replaced by T.
Protein change: p.Thr623Ser; replaces threonine 623 with serine.
Molecular consequence: missense variant.
Genome position (GRCh38, 1-based): chr9:93,252,915, A>T. VCF-style: chr9-93252915-A-T. GRCh37 (hg19) VCF-style: chr9-96015197-A-T.
Other names: c.1867A>T, p.Thr623Ser (NM_001282394.3); short protein forms T623S.
Identifiers: ClinVar variation 3981810 (VCV003981810.1).
Genomic context (GRCh38, chr9:93,252,915, plus strand): 5'-CTCTAAGTCCTGCTTTTGTCCTCCCCAGCGGACAGCACCTTCGACAGCGGCCAGGGCTCT[A>T]CCGTGTACTCAGACTCGCAGAGCAGCCAGCAGAGCGTGATGCTTGGCTCCCTTGCCGACG-3'
Protein context (NP_006639.3, residues 613-633): DSTFDSGQGS[Thr623Ser]VYSDSQSSQQ

ClinVar aggregate classification (germline): Uncertain significance (1 of 4 stars; one submission).

Submission:

Ambry Genetics
Classification: Uncertain significance. Last evaluated: 2025-04-05. Review status: criteria provided, single submitter. Criteria: Ambry Variant Classification Scheme 2023. Collection method: clinical testing. Allele origin: germline.
Comment: The p.T623S variant (also known as c.1867A>T), located in coding exon 8 of the WNK2 gene, results from an A to T substitution at nucleotide position 1867. The threonine at codon 623 is replaced by serine, an amino acid with similar properties. This amino acid position is conserved. In addition, this alteration is predicted to be tolerated by in silico analysis. Based on the available evidence, the clinical significance of this variant remains unclear.